The following is an entry in ClinVar:

NM_199420.4(POLQ):c.2758G>A (p.Glu920Lys)

Gene: POLQ (DNA polymerase theta; minus strand). Cytogenetic location: 3q13.33.
Variant type: single nucleotide variant.
Coding change: c.2758G>A on transcript NM_199420.4 (MANE Select); coding-DNA position 2758, G replaced by A.
Protein change: p.Glu920Lys; replaces glutamic acid 920 with lysine.
Molecular consequence: missense variant.
Genome position (GRCh38, 1-based): chr3:121,490,173, C>T on the plus strand (G>A on the coding strand, the complement: POLQ is on the minus strand). VCF-style: chr3-121490173-C-T. GRCh37 (hg19) VCF-style: chr3-121209020-C-T.
Other names: short protein forms E920K.
Identifiers: ClinVar variation 3308554 (VCV003308554.1).

ClinVar aggregate classification (germline): Uncertain significance (1 of 4 stars; one submission).

gnomAD v4.1: 1 of 1,612,328 alleles (0.000062%); highest among the groups gnomAD compares: East Asian, 0.0022%; no homozygotes.

Submission:

Ambry Genetics
Classification: Uncertain significance. Last evaluated: 2024-04-05. Review status: criteria provided, single submitter. Criteria: Ambry Variant Classification Scheme 2023. Collection method: clinical testing. Allele origin: germline.
Comment: The p.E920K variant (also known as c.2758G>A), located in coding exon 16 of the POLQ gene, results from a G to A substitution at nucleotide position 2758. The glutamic acid at codon 920 is replaced by lysine, an amino acid with similar properties. This amino acid position is conserved. In addition, this alteration is predicted to be tolerated by in silico analysis. Based on the available evidence, the clinical significance of this variant remains unclear.